The following is an entry in ClinVar:

ClinVar aggregate classification (germline): Uncertain significance. Review status: criteria provided, multiple submitters, no conflicts (2 of 4 stars). 2 submissions from 2 submitters: Uncertain significance (2). Last evaluated 2026-06-06.

Conditions:
Hereditary cancer-predisposing syndrome. Also called: Tumor predisposition; Hereditary Cancer Syndrome; Neoplastic Syndromes, Hereditary; Hereditary neoplastic syndrome. Identifiers: Orphanet 140162, MedGen C0027672, MeSH D009386, MONDO:0015356.
Fanconi anemia complementation group J. Also called: BRIP1-Related Fanconi Anemia. Identifiers: Orphanet 84, MedGen C1836860, MONDO:0012187, OMIM 609054.
Familial cancer of breast. Also called: hereditary breast carcinoma; Hereditary breast cancer; BREAST CANCER, FAMILIAL. Identifiers: Orphanet 227535, MedGen C0346153, MONDO:0016419, OMIM 114480. Disease mechanism: loss of function.

Submissions (2):

Ambry Genetics
Classification: Uncertain significance for Hereditary cancer-predisposing syndrome. Last evaluated: 2026-06-06. Review status: criteria provided, single submitter. Criteria: Ambry Variant Classification Scheme 2023. Collection method: clinical testing. Allele origin: germline.
Comment: The p.L946I variant (also known as c.2836C>A), located in coding exon 18 of the BRIP1 gene, results from a C to A substitution at nucleotide position 2836. The leucine at codon 946 is replaced by isoleucine, an amino acid with highly similar properties. This amino acid position is conserved. In addition, this alteration is predicted to be tolerated by in silico analysis. Based on the available evidence, the clinical significance of this variant remains unclear.

Labcorp Genetics (formerly Invitae), Labcorp
Classification: Uncertain significance for Familial cancer of breast; Fanconi anemia complementation group J. Last evaluated: 2018-10-30. Review status: criteria provided, single submitter. Criteria: Invitae Variant Classification Sherloc (09022015). Collection method: clinical testing. Allele origin: germline.
Comment: This sequence change replaces leucine with isoleucine at codon 946 of the BRIP1 protein (p.Leu946Ile). The leucine residue is weakly conserved and there is a small physicochemical difference between leucine and isoleucine. This variant is not present in population databases (ExAC no frequency). This variant has not been reported in the literature in individuals with BRIP1-related disease. Algorithms developed to predict the effect of missense changes on protein structure and function (SIFT, PolyPhen-2, Align-GVGD) all suggest that this variant is likely to be tolerated, but these predictions have not been confirmed by published functional studies and their clinical significance is uncertain. In summary, the available evidence is currently insufficient to determine the role of this variant in disease. Therefore, it has been classified as a Variant of Uncertain Significance.

NM_032043.3(BRIP1):c.2836C>A (p.Leu946Ile)

Gene: BRIP1 (BRCA1 interacting DNA helicase 1; minus strand). Cytogenetic location: 17q23.2.
Variant type: single nucleotide variant.
Coding change: c.2836C>A on transcript NM_032043.3 (MANE Select); coding-DNA position 2836, C replaced by A.
Protein change: p.Leu946Ile; replaces leucine 946 with isoleucine.
Molecular consequence: missense variant.
Genome position (GRCh38, 1-based): chr17:61,685,905, G>T on the plus strand (C>A on the coding strand, the complement: BRIP1 is on the minus strand). VCF-style: chr17-61685905-G-T. GRCh37 (hg19) VCF-style: chr17-59763266-G-T.
Other names: short protein forms L946I.
Identifiers: ClinVar variation 650297 (VCV000650297.10), dbSNP rs1603276593, ClinGen allele CA400481387.
Genomic context (GRCh38, chr17:61,685,905, plus strand): 5'-TTCTGGAGATAATGCTACTTGGTAGAGGTGAATTTTTGGTAATAATTTTAGGACACTGTA[G>T]TTCCTGGACACATATCTTTGCTTCATCTTCCACAAAATTTTCTGGTGATAGATGACTTGC-3'
Protein context (NP_114432.2, residues 936-956): EDEAKICVQE[Leu946Ile]QCPKIITKNS